The following is an entry in ClinVar:

ClinVar aggregate classification (germline): Likely benign. Review status: criteria provided, multiple submitters, no conflicts (2 of 4 stars). 3 submissions from 3 submitters: Likely benign (3). Last evaluated 2026-04-01.

Allele frequency attached by ClinVar (database versions not stated): gnomAD 0.00022; TOPMed 0.00023; ESP Exome Variant Server 0.00031; 1000 Genomes Project 0.00080; 1000 Genomes Project 30x 0.00094.

Submissions (3):

CeGaT Center for Human Genetics Tuebingen
Classification: Likely benign. Last evaluated: 2026-04-01. Review status: criteria provided, single submitter. Criteria: CeGaT Center For Human Genetics Tuebingen Variant Classification Criteria Version 2. Collection method: clinical testing. Allele origin: germline. Affected: yes. Observed: 1 variant allele.
Comment: LAMA1: BP4, BP7

Labcorp Genetics (formerly Invitae), Labcorp
Classification: Likely benign. Last evaluated: 2025-12-02. Review status: criteria provided, single submitter. Criteria: Invitae Variant Classification Sherloc (09022015). Collection method: clinical testing. Allele origin: germline.

Blueprint Genetics
Classification: Likely benign. Last evaluated: 2023-12-29. Review status: criteria provided, single submitter. Criteria: ACMG Guidelines, 2015. Collection method: clinical testing. Allele origin: germline.

NM_005559.4(LAMA1):c.421C>T (p.Leu141=)

Gene: LAMA1 (laminin subunit alpha 1; minus strand). Cytogenetic location: 18p11.31.
Variant type: single nucleotide variant.
Coding change: c.421C>T on transcript NM_005559.4 (MANE Select); coding-DNA position 421, C replaced by T.
Protein change: p.Leu141=; no amino-acid change (leucine 141 retained).
Molecular consequence: synonymous variant.
Genome position (GRCh38, 1-based): chr18:7,050,861, G>A on the plus strand (C>T on the coding strand, the complement: LAMA1 is on the minus strand). VCF-style: chr18-7050861-G-A. GRCh37 (hg19) VCF-style: chr18-7050860-G-A.
Identifiers: ClinVar variation 727416 (VCV000727416.11), dbSNP rs142313158, ClinGen allele CA8883303.